The following is an entry in ClinVar:

ClinVar aggregate classification (germline): Likely benign. Review status: criteria provided, multiple submitters, no conflicts (2 of 4 stars). 2 submissions from 2 submitters: Likely benign (2). Last evaluated 2025-09-09.

Conditions:
TUBB4B-related disorder. Also called: TUBB4B-related condition.

gnomAD v4.1: 50 of 1,612,882 alleles (0.0031%); highest among the groups gnomAD compares: Non-Finnish European, 0.0041%; no homozygotes.

Submissions (2):

PreventionGenetics, part of Exact Sciences
Classification: Likely benign for TUBB4B-related condition. Last evaluated: 2025-09-09. Review status: criteria provided, single submitter. Criteria: ACMG Guidelines, 2015. Collection method: clinical testing. Allele origin: germline.
Comment: This variant is classified as likely benign based on ACMG/AMP sequence variant interpretation guidelines (Richards et al. 2015 PMID: 25741868, with internal and published modifications).

Blueprint Genetics
Classification: Likely benign. Last evaluated: 2021-06-14. Review status: criteria provided, single submitter. Criteria: ACMG Guidelines, 2015. Collection method: clinical testing. Allele origin: germline.

NM_006088.6(TUBB4B):c.888C>T (p.Ala296=)

Gene: TUBB4B (tubulin beta 4B class IVb; plus strand). Cytogenetic location: 9q34.3.
Variant type: single nucleotide variant.
Coding change: c.888C>T on transcript NM_006088.6 (MANE Select); coding-DNA position 888, C replaced by T.
Protein change: p.Ala296=; no amino-acid change (alanine 296 retained).
Molecular consequence: synonymous variant.
Genome position (GRCh38, 1-based): chr9:137,243,106, C>T. VCF-style: chr9-137243106-C-T. GRCh37 (hg19) VCF-style: chr9-140137558-C-T.
Other names: c.888C>T (NM_006088.5).
Identifiers: ClinVar variation 4906223 (VCV004906223.2).